The following is an entry in ClinVar:

NM_018834.6(MATR3):c.2192T>G (p.Leu731Trp)

Gene: MATR3 (matrin 3; plus strand). Cytogenetic location: 5q31.2.
Variant type: single nucleotide variant.
Coding change: c.2192T>G on transcript NM_018834.6 (MANE Select); coding-DNA position 2192, T replaced by G.
Protein change: p.Leu731Trp; replaces leucine 731 with tryptophan.
Molecular consequence: missense variant.
Genome position (GRCh38, 1-based): chr5:139,325,483, T>G. VCF-style: chr5-139325483-T-G. GRCh37 (hg19) VCF-style: chr5-138661172-T-G.
Other names: c.2192T>G, p.Leu731Trp (NM_001194954.2, NM_001194955.2, NM_001400447.1 and 11 more transcripts); c.1328T>G, p.Leu443Trp (NM_001194956.2); c.1178T>G, p.Leu393Trp (NM_001282278.2, NM_001400462.1, NM_001400463.1 and 4 more transcripts); c.2336T>G, p.Leu779Trp (NM_001400441.1, NM_001400442.1, NM_001400443.1 and 2 more transcripts); c.1331T>G, p.Leu444Trp (NM_001400459.1); c.1322T>G, p.Leu441Trp (NM_001400460.1); c.1292T>G, p.Leu431Trp (NM_001400461.1); short protein forms L443W, L393W, L444W, L441W, L731W, L431W, L779W.
Identifiers: ClinVar variation 2885756 (VCV002885756.3), dbSNP rs2546883558, ClinGen allele CA361146119.

ClinVar aggregate classification (germline): Uncertain significance (1 of 4 stars; one submission).

Conditions:
Amyotrophic lateral sclerosis type 21. Also called: MYOPATHY, DISTAL, 2; VOCAL CORD AND PHARYNGEAL DYSFUNCTION WITH DISTAL MYOPATHY. Identifiers: Orphanet 600, Orphanet 803, MedGen C3807521, MONDO:0011632, OMIM 606070.

Allele frequency attached by ClinVar (database versions not stated): gnomAD exomes below 0.00001.
gnomAD v4.1: 4 of 1,614,190 alleles (0.00025%); highest among the groups gnomAD compares: Non-Finnish European, 0.00025%; no homozygotes.

Submission:

Labcorp Genetics (formerly Invitae), Labcorp
Classification: Uncertain significance for Amyotrophic lateral sclerosis type 21. Last evaluated: 2025-08-04. Review status: criteria provided, single submitter. Criteria: Invitae Variant Classification Sherloc (09022015). Collection method: clinical testing. Allele origin: germline.
Comment: This sequence change replaces leucine, which is neutral and non-polar, with tryptophan, which is neutral and slightly polar, at codon 731 of the MATR3 protein (p.Leu731Trp). This variant is not present in population databases (gnomAD no frequency). This variant has not been reported in the literature in individuals affected with MATR3-related conditions. ClinVar contains an entry for this variant (Variation ID: 2885756). Invitae Evidence Modeling of protein sequence and biophysical properties (such as structural, functional, and spatial information, amino acid conservation, physicochemical variation, residue mobility, and thermodynamic stability) indicates that this missense variant is not expected to disrupt MATR3 protein function with a negative predictive value of 80%. In summary, the available evidence is currently insufficient to determine the role of this variant in disease. Therefore, it has been classified as a Variant of Uncertain Significance.